The following is an entry in ClinVar:

NM_000233.4(LHCGR):c.1023C>T (p.Pro341=)

Genes: LHCGR (luteinizing hormone/choriogonadotropin receptor; minus strand), STON1-GTF2A1L (STON1-GTF2A1L readthrough; plus strand). Cytogenetic location: 2p16.3.
Variant type: single nucleotide variant.
Coding change: c.1023C>T on transcript NM_000233.4 (MANE Select); coding-DNA position 1023, C replaced by T.
Protein change: p.Pro341=; no amino-acid change (proline 341 retained).
Molecular consequence: synonymous variant. On other transcripts: intron variant (1).
Genome position (GRCh38, 1-based): chr2:48,688,774, G>A on the plus strand (C>T on the coding strand, the complement: LHCGR is on the minus strand). VCF-style: chr2-48688774-G-A. GRCh37 (hg19) VCF-style: chr2-48915913-G-A.
Other names: c.3441+17094G>A (NM_001198593.2).
Identifiers: ClinVar variation 2650897 (VCV002650897.24), dbSNP rs2529702630, ClinGen allele CA426124843.
Genomic context (GRCh38, chr2:48,688,774, plus strand): 5'-GAAGTCATAGCCCATAATATCTTCACAGGGATTAAAAGCATCTGGTTCAGGAGCACATCG[G>A]GGTGTCTTGGGTAAGCAGAAACCATATTCATAGTCCCAGCCACTCAGTTCACTCTCAGCA-3'
Protein context (NP_000224.2, residues 331-351): YEYGFCLPKT[Pro341=]RCAPEPDAFN

ClinVar aggregate classification (germline): Likely benign (1 of 4 stars; one submission).

Submission:

CeGaT Center for Human Genetics Tuebingen
Classification: Likely benign. Last evaluated: 2022-11-01. Review status: criteria provided, single submitter. Criteria: CeGaT Center For Human Genetics Tuebingen Variant Classification Criteria Version 2. Collection method: clinical testing. Allele origin: germline. Affected: yes. Observed: 1 variant allele.
Comment: LHCGR: PM2:Supporting, BP4, BP7